The following is an entry in ClinVar:

NM_000047.3(ARSL):c.1156G>T (p.Gly386Trp)

Gene: ARSL (arylsulfatase L; minus strand). Cytogenetic location: Xp22.33.
Variant type: single nucleotide variant.
Coding change: c.1156G>T on transcript NM_000047.3 (MANE Select); coding-DNA position 1156, G replaced by T.
Protein change: p.Gly386Trp; replaces glycine 386 with tryptophan.
Molecular consequence: missense variant.
Genome position (GRCh38, 1-based): chrX:2,938,228, C>A on the plus strand (G>T on the coding strand, the complement: ARSL is on the minus strand). VCF-style: chrX-2938228-C-A. GRCh37 (hg19) VCF-style: chrX-2856269-C-A.
Other names: c.1231G>T, p.Gly411Trp (NM_001282628.2, NM_001369080.1); c.994G>T, p.Gly332Trp (NM_001282631.2); c.1183G>T, p.Gly395Trp (NM_001369079.1); short protein forms G332W, G386W, G395W, G411W.
Identifiers: ClinVar variation 1050827 (VCV001050827.1), dbSNP rs2147349610, ClinGen allele CA412277191.

ClinVar aggregate classification (germline): Uncertain significance (1 of 4 stars; one submission).

Submission:

Women's Health and Genetics/Laboratory Corporation of America, LabCorp
Classification: Uncertain significance. Last evaluated: 2021-03-29. Review status: criteria provided, single submitter. Criteria: LabCorp Variant Classification Summary - May 2015. Collection method: clinical testing. Allele origin: germline.
Comment: Variant summary: ARSL c.1156G>T (p.Gly386Trp) results in a non-conservative amino acid change located in the Sulfatase, N-terminal domain (IPR000917) of the encoded protein sequence. Five of five in-silico tools predict a damaging effect of the variant on protein function. The variant was absent in 181828 control chromosomes (gnomAD). The available data on variant occurrences in the general population are insufficient to allow any conclusion about variant significance. To our knowledge, no occurrence of c.1156G>T in individuals affected with Chondrodysplasia Punctata 1, X-Linked Recessive and no experimental evidence demonstrating its impact on protein function have been reported. No clinical diagnostic laboratories have submitted clinical-significance assessments for this variant to ClinVar after 2014. Based on the evidence outlined above, the variant was classified as uncertain significance.